The following is an entry in ClinVar:

NM_002485.5(NBN):c.832_835del (p.Ser278fs)

Gene: NBN (nibrin; minus strand). Cytogenetic location: 8q21.3.
Variant type: Deletion.
Coding change: c.832_835del on transcript NM_002485.5 (MANE Select); coding-DNA positions 832 to 835, 4 bases deleted (TCAC; older notation c.832_835delTCAC).
Protein change: p.Ser278fs; shifts the reading frame from serine 278.
Molecular consequence: frameshift variant.
Genome position (GRCh38, 1-based): chr8:89,970,425-89,970,428, GTGA deleted on the plus strand (TCAC on the coding strand, the reverse complement: NBN is on the minus strand); deleting any 4 consecutive bases within chr8:89,970,425-89,970,430 gives the same sequence; the c. name uses the placement nearest the transcript's 3' end. VCF-style (leftmost placement, unchanged base first): chr8-89970424-TGTGA-T. GRCh37 (hg19) VCF-style: chr8-90982652-TGTGA-T.
Other names: c.586_589del, p.Ser196fs (NM_001024688.3); short protein forms S196fs, S278fs.
Identifiers: ClinVar variation 2116427 (VCV002116427.4), dbSNP rs2488309603, ClinGen allele CA2580079036.

ClinVar aggregate classification (germline): Pathogenic (1 of 4 stars; one submission).

Conditions:
Microcephaly, normal intelligence and immunodeficiency (NBS). Also called: Nijmegen breakage syndrome; Microcephaly with normal intelligence immunodeficiency and lymphoreticular malignancies; Nonsyndromal microcephaly autosomal recessive with normal intelligence; Seemanova syndrome 2; Immunodeficiency, microcephaly with normal intelligence; Ataxia telangiectasia variant V1. Identifiers: Orphanet 647, MedGen C0398791, MONDO:0009623, OMIM 251260.

Submission:

Labcorp Genetics (formerly Invitae), Labcorp
Classification: Pathogenic for Microcephaly, normal intelligence and immunodeficiency. Last evaluated: 2022-03-24. Review status: criteria provided, single submitter. Criteria: Invitae Variant Classification Sherloc (09022015). Collection method: clinical testing. Allele origin: germline.
Comment: This sequence change creates a premature translational stop signal (p.Ser278Argfs*3) in the NBN gene. It is expected to result in an absent or disrupted protein product. Loss-of-function variants in NBN are known to be pathogenic (PMID: 9590180, 16415040). This variant is not present in population databases (gnomAD no frequency). This variant has not been reported in the literature in individuals affected with NBN-related conditions. For these reasons, this variant has been classified as Pathogenic.

Literature cited by the submitters: PubMed 9590180; PubMed 16415040.